The following is an entry in ClinVar:

NM_000135.4(FANCA):c.4339G>T (p.Asp1447Tyr)

Genes: FANCA (FA complementation group A; minus strand), ZNF276 (zinc finger protein 276; plus strand). Cytogenetic location: 16q24.3.
Variant type: single nucleotide variant.
Coding change: c.4339G>T on transcript NM_000135.4 (MANE Select); coding-DNA position 4339, G replaced by T.
Protein change: p.Asp1447Tyr; replaces aspartic acid 1447 with tyrosine.
Molecular consequence: missense variant. On other transcripts: 3 prime UTR variant (3), non-coding transcript variant (4).
Genome position (GRCh38, 1-based): chr16:89,738,630, C>A on the plus strand (G>T on the coding strand, the complement: FANCA is on the minus strand). VCF-style: chr16-89738630-C-A. GRCh37 (hg19) VCF-style: chr16-89805038-C-A.
Other names: c.*68G>T (NM_001286167.3); c.*384C>A (NM_001113525.2, NM_152287.4); short protein forms D1447Y.
Identifiers: ClinVar variation 4870858 (VCV004870858.1).

ClinVar aggregate classification (germline): Uncertain significance (1 of 4 stars; one submission).

Conditions:
Inborn genetic diseases. Identifiers: MedGen C0950123, MeSH D030342.

Submission:

Ambry Genetics
Classification: Uncertain significance for Inborn genetic diseases. Last evaluated: 2026-05-02. Review status: criteria provided, single submitter. Criteria: Ambry Variant Classification Scheme 2023. Collection method: clinical testing. Allele origin: germline.
Comment: The p.D1447Y variant (also known as c.4339G>T), located in coding exon 43 of the FANCA gene, results from a G to T substitution at nucleotide position 4339. The aspartic acid at codon 1447 is replaced by tyrosine, an amino acid with highly dissimilar properties. This amino acid position is conserved. In addition, the in silico prediction for this alteration is inconclusive. Based on the available evidence, the clinical significance of this variant remains unclear.